The following is an entry in ClinVar:

ClinVar aggregate classification (germline): Uncertain significance (1 of 4 stars; one submission).

Submission:

Labcorp Genetics (formerly Invitae), Labcorp
Classification: Uncertain significance. Last evaluated: 2025-05-26. Review status: criteria provided, single submitter. Criteria: Invitae Variant Classification Sherloc (09022015). Collection method: clinical testing. Allele origin: germline.
Comment: This sequence change replaces histidine, which is basic and polar, with arginine, which is basic and polar, at codon 428 of the NEXMIF protein (p.His428Arg). This variant is not present in population databases (gnomAD no frequency). This variant has not been reported in the literature in individuals affected with NEXMIF-related conditions. An algorithm developed to predict the effect of missense changes on protein structure and function (PolyPhen-2) suggests that this variant is likely to be tolerated. In summary, the available evidence is currently insufficient to determine the role of this variant in disease. Therefore, it has been classified as a Variant of Uncertain Significance.

NM_001008537.3(NEXMIF):c.1283A>G (p.His428Arg)

Gene: NEXMIF (neurite extension and migration factor; minus strand). Cytogenetic location: Xq13.3.
Variant type: single nucleotide variant.
Coding change: c.1283A>G on transcript NM_001008537.3 (MANE Select); coding-DNA position 1283, A replaced by G.
Protein change: p.His428Arg; replaces histidine 428 with arginine.
Molecular consequence: missense variant.
Genome position (GRCh38, 1-based): chrX:74,743,274, T>C on the plus strand (A>G on the coding strand, the complement: NEXMIF is on the minus strand). VCF-style: chrX-74743274-T-C. GRCh37 (hg19) VCF-style: chrX-73963109-T-C.
Other names: short protein forms H428R.
Identifiers: ClinVar variation 4720248 (VCV004720248.1).